The following is an entry in ClinVar:

ClinVar aggregate classification (germline): Benign. Review status: criteria provided, multiple submitters, no conflicts (2 of 4 stars). 7 submissions from 4 submitters: Benign (7). Last evaluated 2025-10-02.

Conditions:
Age related macular degeneration 4. Identifiers: MedGen C1853147, MONDO:0012540, OMIM 610698.
Atypical hemolytic-uremic syndrome. Identifiers: Orphanet 2134, MedGen C2931788, MONDO:0016244.
Factor H deficiency (CFHD). Also called: CFH DEFICIENCY; COMPLEMENT FACTOR H DEFICIENCY. Identifiers: Orphanet 200421, MedGen C0398777, MONDO:0012350, OMIM 609814.
Basal laminar drusen. Also called: DRUSEN OF BRUCH MEMBRANE; DRUSEN, CUTICULAR; DRUSEN, EARLY ADULT-ONSET, GROUPED. Identifiers: Orphanet 75376, MedGen C0730295, MONDO:0007472, OMIM 126700.
Hemolytic uremic syndrome, atypical, susceptibility to, 1. Also called: AHUS, SUSCEPTIBILITY TO, 1. Identifiers: Orphanet 2134, Orphanet 90038, MedGen C2749604, MONDO:0009335, OMIM 235400. Disease mechanism: Other.

Allele frequency attached by ClinVar (database versions not stated): gnomAD exomes 0.25865 and 0.31317; ExAC 0.33503; ESP Exome Variant Server 0.37772; gnomAD 0.39930 and 0.40527; TOPMed 0.41785; 1000 Genomes Project 0.46805; 1000 Genomes Project 30x 0.46908.
gnomAD v4.1: 421,400 of 1,542,258 alleles (27%); highest among the groups gnomAD compares: African/African-American, 72%; 67,908 homozygotes.

Submissions (7):

Genomenon, Inc
Classification: Benign for Basal laminar drusen; Age related macular degeneration 4; Atypical hemolytic-uremic syndrome; Factor H deficiency. Last evaluated: 2025-10-02. Review status: criteria provided, single submitter. Criteria: Genomenon Sequence Variant Interpretation Standards - Updated. Collection method: curation. Allele origin: germline. Affected: no.
Comment: CFH c.59-36C>T is an intronic variant located in intron 1. This variant is present at high allele frequency in population databases. In conclusion, we classify CFH c.59-36C>T as a benign variant.

Genome-Nilou Lab
Classification: Benign for Basal laminar drusen. Last evaluated: 2021-07-22. Review status: criteria provided, single submitter. Criteria: ACMG Guidelines, 2015. Collection method: clinical testing. Allele origin: germline. Affected: no.

Genome-Nilou Lab
Classification: Benign for Factor H deficiency. Last evaluated: 2021-07-22. Review status: criteria provided, single submitter. Criteria: ACMG Guidelines, 2015. Collection method: clinical testing. Allele origin: germline. Affected: no.

Genome-Nilou Lab
Classification: Benign for Hemolytic uremic syndrome, atypical, susceptibility to, 1. Last evaluated: 2021-07-22. Review status: criteria provided, single submitter. Criteria: ACMG Guidelines, 2015. Collection method: clinical testing. Allele origin: germline. Affected: no.

Genome-Nilou Lab
Classification: Benign for Age related macular degeneration 4. Last evaluated: 2021-07-22. Review status: criteria provided, single submitter. Criteria: ACMG Guidelines, 2015. Collection method: clinical testing. Allele origin: germline. Affected: no.

GeneDx
Classification: Benign. Last evaluated: 2021-05-10. Review status: criteria provided, single submitter. Criteria: GeneDx Variant Classification Process June 2021. Collection method: clinical testing. Allele origin: germline. Affected: yes.

Breakthrough Genomics
Classification: Benign. Review status: criteria provided, single submitter. Criteria: ACMG Guidelines, 2015. Collection method: not provided. Allele origin: germline. Inheritance: Autosomal recessive inheritance. Affected: yes.

NM_000186.4(CFH):c.59-36C>T

Gene: CFH (complement factor H; plus strand). Cytogenetic location: 1q31.3.
Variant type: single nucleotide variant.
Coding change: c.59-36C>T on transcript NM_000186.4 (MANE Select); 36 bases into the intron before coding-DNA position 59, C replaced by T.
Molecular consequence: intron variant.
Genome position (GRCh38, 1-based): chr1:196,672,942, C>T. VCF-style: chr1-196672942-C-T. GRCh37 (hg19) VCF-style: chr1-196642072-C-T.
Other names: c.59-36C>T (NM_001014975.3).
Identifiers: ClinVar variation 1209735 (VCV001209735.7), dbSNP rs551397, ClinGen allele CA1304935.
Genomic context (GRCh38, chr1:196,672,942, plus strand): 5'-TGACTGTCTAGGCATTTTTAAAAGCAACAATTACCTAAATATACTGTACATTTAAATAGA[C>T]ACTTTATGCACTTATTTTGTTTTTATTGTTTGTAGATTGCAATGAACTTCCTCCAAGAAG-3'